The following is an entry in ClinVar:

ClinVar aggregate classification (germline): Likely pathogenic. Review status: criteria provided, single submitter (1 of 4 stars). 2 submissions from 2 submitters: Likely pathogenic (1). 1 of the submissions does not count toward it. Last evaluated 2023-12-15.

Conditions:
EDNRB-related disorder. Also called: EDNRB-related condition; EDNRB-related disorders.

Submissions (2):

Labcorp Genetics (formerly Invitae), Labcorp
Classification: Likely pathogenic. Last evaluated: 2023-12-15. Review status: criteria provided, single submitter. Criteria: Invitae Variant Classification Sherloc (09022015). Collection method: clinical testing. Allele origin: germline.
Comment: This sequence change affects a donor splice site in intron 4 of the EDNRB gene. It is expected to disrupt RNA splicing. Variants that disrupt the donor or acceptor splice site typically lead to a loss of protein function (PMID: 16199547), and loss-of-function variants in EDNRB are known to be pathogenic (PMID: 8001159, 10528251, 20127975, 30394532). This variant is not present in population databases (gnomAD no frequency). Disruption of this splice site has been observed in individual(s) with autosomal dominant Waardenburg syndrome and/or Hirschsprung disease (PMID: 9721987, 32747562). Algorithms developed to predict the effect of sequence changes on RNA splicing suggest that this variant may disrupt the consensus splice site. In summary, the currently available evidence indicates that the variant is pathogenic, but additional data are needed to prove that conclusively. Therefore, this variant has been classified as Likely Pathogenic.

PreventionGenetics, part of Exact Sciences
Classification: Likely pathogenic for EDNRB-related condition. Last evaluated: 2024-02-19. Review status: no assertion criteria provided. Collection method: clinical testing. Allele origin: germline. Not counted in ClinVar's aggregate classification.
Comment: The EDNRB c.801+2T>A variant is predicted to disrupt the GT donor site and interfere with normal splicing. To our knowledge, this variant has not been reported in the literature or in a large population database, indicating this variant is rare. A different nucleotide substitution at this position was previously reported in an individual with Hirschsprung disease (Inoue et al. 1998. PubMed ID: 9721987, c.801+2T>C). Variants that disrupt the consensus splice donor site in EDNRB are expected to be pathogenic. This variant is interpreted as likely pathogenic.

Literature cited by the submitters: PubMed 16199547 (cited by Labcorp Genetics (formerly Invitae), Labcorp); PubMed 8001159 (cited by Labcorp Genetics (formerly Invitae), Labcorp); PubMed 10528251 (cited by Labcorp Genetics (formerly Invitae), Labcorp); PubMed 20127975 (cited by Labcorp Genetics (formerly Invitae), Labcorp); PubMed 30394532 (cited by Labcorp Genetics (formerly Invitae), Labcorp); PubMed 9721987 (cited by Labcorp Genetics (formerly Invitae), Labcorp); PubMed 32747562 (cited by Labcorp Genetics (formerly Invitae), Labcorp).

NM_001122659.3(EDNRB):c.801+2T>A

Genes: EDNRB (endothelin receptor type B; minus strand), EDNRB-AS1 (EDNRB antisense RNA 1; plus strand). Cytogenetic location: 13q22.3.
Variant type: single nucleotide variant.
Coding change: c.801+2T>A on transcript NM_001122659.3 (MANE Select); the canonical splice donor site of the intron after coding-DNA position 801, T replaced by A.
Molecular consequence: splice donor variant.
Genome position (GRCh38, 1-based): chr13:77,903,154, A>T on the plus strand (T>A on the coding strand, the complement: EDNRB is on the minus strand). VCF-style: chr13-77903154-A-T. GRCh37 (hg19) VCF-style: chr13-78477289-A-T.
Other names: c.801+2T>A (NM_000115.5, NM_003991.4); c.1071+2T>A (NM_001201397.2).
Identifiers: ClinVar variation 2703346 (VCV002703346.5), dbSNP rs2137610838, ClinGen allele CA388450522.
Genomic context (GRCh38, chr13:77,903,154, plus strand): 5'-GAAAAATAGCTAAATATTTATAAGGCAAGAGCAGAAAGGAAAATAAAAAAAGTGAAATTT[A>T]CCTGCATGAAAGCTGTCTTCTGAACGGGATGAAGCAAGCAGATTCGCAGATAACTTCCTT-3'